The following is an entry in ClinVar:

ClinVar aggregate classification (germline): Uncertain significance (1 of 4 stars; one submission).

Conditions:
Dilated cardiomyopathy 1G (CMD1G). Identifiers: Orphanet 154, MedGen C1858763, MONDO:0011400, OMIM 604145.
Autosomal recessive limb-girdle muscular dystrophy type 2J (LGMDR10). Also called: MUSCULAR DYSTROPHY, LIMB-GIRDLE, AUTOSOMAL RECESSIVE 10; Limb-girdle muscular dystrophy, type 2J. Identifiers: Orphanet 140922, MedGen C1837342, MONDO:0012127, OMIM 608807.

Allele frequency attached by ClinVar (database versions not stated): gnomAD exomes below 0.00001.
gnomAD v4.1: 1 of 1,613,998 alleles (0.000062%); highest among the groups gnomAD compares: Admixed American, 0.0017%; no homozygotes.

Submission:

Labcorp Genetics (formerly Invitae), Labcorp
Classification: Uncertain significance for Dilated cardiomyopathy 1G; Autosomal recessive limb-girdle muscular dystrophy type 2J. Last evaluated: 2025-01-27. Review status: criteria provided, single submitter. Criteria: Invitae Variant Classification Sherloc (09022015). Collection method: clinical testing. Allele origin: germline.
Comment: This sequence change replaces alanine, which is neutral and non-polar, with threonine, which is neutral and polar, at codon 35063 of the TTN protein (p.Ala35063Thr). This variant is present in population databases (no rsID available, gnomAD 0.003%). This variant has not been reported in the literature in individuals affected with TTN-related conditions. ClinVar contains an entry for this variant (Variation ID: 1384920). Experimental studies and prediction algorithms are not available or were not evaluated, and the functional significance of this variant is currently unknown. This variant is located in the M band of TTN (PMID: 25589632). Non-truncating variants in this region may be relevant for neuromuscular disorders, but have not been definitively shown to cause cardiomyopathy (PMID: 23975875). In summary, the available evidence is currently insufficient to determine the role of this variant in disease. Therefore, it has been classified as a Variant of Uncertain Significance.

Literature cited by the submitters: PubMed 25589632; PubMed 23975875.

NM_001267550.2(TTN):c.105187G>A (p.Ala35063Thr)

Genes: TTN (titin; minus strand), TTN-AS1 (TTN antisense RNA 1; plus strand). Cytogenetic location: 2q31.2.
Variant type: single nucleotide variant.
Coding change: c.105187G>A on transcript NM_001267550.2 (MANE Select); coding-DNA position 105187, G replaced by A.
Protein change: p.Ala35063Thr; replaces alanine 35063 with threonine.
Molecular consequence: missense variant.
Genome position (GRCh38, 1-based): chr2:178,531,428, C>T on the plus strand (G>A on the coding strand, the complement: TTN is on the minus strand). VCF-style: chr2-178531428-C-T. GRCh37 (hg19) VCF-style: chr2-179396155-C-T.
Other names: c.100264G>A, p.Ala33422Thr (NM_001256850.1); c.77992G>A, p.Ala25998Thr (NM_003319.4); c.97483G>A, p.Ala32495Thr (NM_133378.4); c.78367G>A, p.Ala26123Thr (NM_133432.3); c.78568G>A, p.Ala26190Thr (NM_133437.4); short protein forms A26123T, A26190T, A32495T, A33422T, A25998T, A35063T.
Identifiers: ClinVar variation 1384920 (VCV001384920.6), dbSNP rs1558998039, ClinGen allele CA349409309.